The following is an entry in ClinVar:

ClinVar aggregate classification (germline): Uncertain significance. Review status: criteria provided, multiple submitters, no conflicts (2 of 4 stars). 3 submissions from 3 submitters: Uncertain significance (3). Last evaluated 2026-05-13.

Allele frequency attached by ClinVar (database versions not stated): gnomAD 0.00001; TOPMed 0.00001.

Submissions (3):

GeneDx
Classification: Uncertain significance. Last evaluated: 2026-05-13. Review status: criteria provided, single submitter. Criteria: GeneDx Variant Classification Process June 2021. Collection method: clinical testing. Allele origin: germline.
Comment: In silico analysis supports that this missense variant has a deleterious effect on protein structure/function; Has not been previously published as pathogenic or benign to our knowledge

Mendelics
Classification: Uncertain significance. Last evaluated: 2022-05-04. Review status: criteria provided, single submitter. Criteria: Mendelics Assertion Criteria 2019. Collection method: clinical testing. Allele origin: germline.

Blueprint Genetics
Classification: Uncertain significance. Last evaluated: 2018-03-27. Review status: criteria provided, single submitter. Criteria: ACMG Guidelines, 2015. Collection method: clinical testing. Allele origin: germline.

NM_000451.4(SHOX):c.839G>C (p.Arg280Pro)

Gene: SHOX (SHOX homeobox; plus strand). Cytogenetic location: Yp11.2.
Variant type: single nucleotide variant.
Coding change: c.839G>C on transcript NM_000451.4 (MANE Select); coding-DNA position 839, G replaced by C.
Protein change: p.Arg280Pro; replaces arginine 280 with proline.
Molecular consequence: missense variant. On other transcripts: intron variant (1).
Genome position (GRCh38, 1-based): chrX:644,596, G>C. VCF-style: chrX-644596-G-C. GRCh37 (hg19) VCF-style: chrX-605331-G-C.
Other names: c.839G>C (NM_000451.3); c.633+3509G>C (NM_006883.2); short protein forms R280P.
Identifiers: ClinVar variation 1685121 (VCV001685121.4), dbSNP rs1476996812, ClinGen allele CA412232391.